The following is an entry in ClinVar:

NM_022436.3(ABCG5):c.225C>T (p.Tyr75=)

Gene: ABCG5 (ATP binding cassette subfamily G member 5; minus strand). Cytogenetic location: 2p21.
Variant type: single nucleotide variant.
Coding change: c.225C>T on transcript NM_022436.3 (MANE Select); coding-DNA position 225, C replaced by T.
Protein change: p.Tyr75=; no amino-acid change (tyrosine 75 retained).
Molecular consequence: synonymous variant.
Genome position (GRCh38, 1-based): chr2:43,837,874, G>A on the plus strand (C>T on the coding strand, the complement: ABCG5 is on the minus strand). VCF-style: chr2-43837874-G-A. GRCh37 (hg19) VCF-style: chr2-44065013-G-A.
Other names: c.225C>T (NM_022436.2).
Identifiers: ClinVar variation 2142427 (VCV002142427.6), dbSNP rs745310708, ClinGen allele CA1636743.

ClinVar aggregate classification (germline): Likely benign. Review status: criteria provided, single submitter (1 of 4 stars). 2 submissions from 2 submitters: Likely benign (1). 1 of the submissions does not count toward it. Last evaluated 2022-10-07.

Conditions:
Sitosterolemia (STSL). Also called: PHYTOSTEROLEMIA. Identifiers: Orphanet 2882, MedGen C0342907, MONDO:0008863.
ABCG5-related disorder. Also called: ABCG5-related condition.

Allele frequency attached by ClinVar (database versions not stated): ExAC 0.00002.

Submissions (2):

Labcorp Genetics (formerly Invitae), Labcorp
Classification: Likely benign for Sitosterolemia. Last evaluated: 2022-10-07. Review status: criteria provided, single submitter. Criteria: Invitae Variant Classification Sherloc (09022015). Collection method: clinical testing. Allele origin: germline.

PreventionGenetics, part of Exact Sciences
Classification: Likely benign for ABCG5-related condition. Last evaluated: 2023-06-13. Review status: no assertion criteria provided. Collection method: clinical testing. Allele origin: germline. Not counted in ClinVar's aggregate classification.
Comment: This variant is classified as likely benign based on ACMG/AMP sequence variant interpretation guidelines (Richards et al. 2015 PMID: 25741868, with internal and published modifications).